The following is an entry in ClinVar:

NM_032043.3(BRIP1):c.628-2_628-1insACATTTTTTTTTTTTTTTTTTTTNNNNNNNNNNTGTTTCTCTACATCCTCTCCAGCTTCTGTTGTTTCCTGACTGTTTAATGATCACCATTCTAACTGGTGTGAGAG

Gene: BRIP1 (BRCA1 interacting DNA helicase 1; minus strand). Cytogenetic location: 17q23.2.
Variant type: Insertion.
Coding change: c.628-2_628-1insACATTTTTTTTTTTTTTTTTTTTNNNNNNNNNNTGTTTCTCTACATCCTCTCCAGCTTCTGTTGTTTCCTGACTGTTTAATGATCACCATTCTAACTGGTGTGAGAG on transcript NM_032043.3 (MANE Select); the canonical splice acceptor site of the intron before coding-DNA position 628, ACATTTTTTTTTTTTTTTTTTTTNNNNNNNNNNTGTTTCTCTACATCCTCTCCAGCTTCTGTTGTTTCCTGACTGTTTAATGATCACCATTCTAACTGGTGTGAGAG inserted.
Molecular consequence: splice acceptor variant.
Genome position: GRCh38: chr17:61,808,761-61,808,762. GRCh37 (hg19): chr17:59,886,122-59,886,123.
Identifiers: ClinVar variation 2951398 (VCV002951398.3), dbSNP rs2545201350.

ClinVar aggregate classification (germline): Likely pathogenic (1 of 4 stars; one submission).

Conditions:
Familial cancer of breast. Also called: BREAST CANCER, FAMILIAL; hereditary breast carcinoma; Hereditary breast cancer. Identifiers: Orphanet 227535, MedGen C0346153, MONDO:0016419, OMIM 114480. Disease mechanism: loss of function.
Fanconi anemia complementation group J. Also called: BRIP1-Related Fanconi Anemia. Identifiers: Orphanet 84, MedGen C1836860, MONDO:0012187, OMIM 609054.

Submission:

Labcorp Genetics (formerly Invitae), Labcorp
Classification: Likely pathogenic for Familial cancer of breast; Fanconi anemia complementation group J. Last evaluated: 2023-08-29. Review status: criteria provided, single submitter. Criteria: Invitae Variant Classification Sherloc (09022015). Collection method: clinical testing. Allele origin: germline.
Comment: In summary, the currently available evidence indicates that the variant is pathogenic, but additional data are needed to prove that conclusively. Therefore, this variant has been classified as Likely Pathogenic. This variant has not been reported in the literature in individuals affected with BRIP1-related conditions. This sequence change affects a splice site in intron 6 of the BRIP1 gene. It is expected to disrupt RNA splicing. Variants that disrupt the donor or acceptor splice site typically lead to a loss of protein function (PMID: 16199547), and loss-of-function variants in BRIP1 are known to be pathogenic (PMID: 16116423, 17033622, 21964575). This variant is not present in population databases (gnomAD no frequency).

Literature cited by the submitters: PubMed 16199547; PubMed 16116423; PubMed 17033622; PubMed 21964575.